The following is an entry in ClinVar:

ClinVar aggregate classification (germline): Likely benign. Review status: reviewed by expert panel (3 of 4 stars). 6 submissions from 6 submitters: Likely benign (1). 5 of the submissions do not count toward it. Last evaluated 2017-06-29.

Conditions:
Hereditary breast ovarian cancer syndrome. Also called: Hereditary breast and ovarian cancer syndrome (HBOC); BRCA1- and BRCA2-Associated Hereditary Breast and Ovarian Cancer; Hereditary breast and/or ovarian cancer syndrome; Hereditary breast and ovarian cancer syndrome; Hereditary breast and ovarian cancer; Breast and ovarian cancer. Identifiers: Orphanet 145, MedGen C0677776, MeSH D061325, MONDO:0003582. Disease mechanism: loss of function.
Hereditary cancer-predisposing syndrome. Also called: Neoplastic Syndromes, Hereditary; Hereditary neoplastic syndrome; Tumor predisposition; Hereditary Cancer Syndrome. Identifiers: Orphanet 140162, MedGen C0027672, MeSH D009386, MONDO:0015356.
Breast-ovarian cancer, familial, susceptibility to, 1 (BROVCA1). Also called: BRCA1 Hereditary Breast and Ovarian Cancer; OVARIAN CANCER, SUSCEPTIBILITY TO. Identifiers: Orphanet 145, MedGen C2676676, MONDO:0011450, OMIM 604370. Disease mechanism: loss of function.

Allele frequency attached by ClinVar (database versions not stated): gnomAD exomes below 0.00001.
gnomAD v4.1: 7 of 1,614,168 alleles (0.00043%); highest among the groups gnomAD compares: Non-Finnish European, 0.00059%; no homozygotes.

Submissions (6):

Evidence-based Network for the Interpretation of Germline Mutant Alleles (ENIGMA)
Classification: Likely benign for Breast-ovarian cancer, familial, susceptibility to, 1. Last evaluated: 2017-06-29. Review status: reviewed by expert panel. Criteria: ENIGMA BRCA1/2 Classification Criteria (2017-06-29). Collection method: curation. Allele origin: germline.
Comment: Synonymous substitution variant, with low bioinformatic likelihood to result in a splicing aberration (Splicing prior probability 0.02).

Labcorp Genetics (formerly Invitae), Labcorp
Classification: Likely benign for Hereditary breast ovarian cancer syndrome. Last evaluated: 2022-12-24. Review status: criteria provided, single submitter. Criteria: Invitae Variant Classification Sherloc (09022015). Collection method: clinical testing. Allele origin: germline. Not counted in ClinVar's aggregate classification.

Women's Health and Genetics/Laboratory Corporation of America, LabCorp
Classification: Likely benign. Last evaluated: 2022-11-03. Review status: criteria provided, single submitter. Criteria: LabCorp Variant Classification Summary - May 2015. Collection method: clinical testing. Allele origin: germline. Not counted in ClinVar's aggregate classification.

Color Diagnostics, LLC DBA Color Health
Classification: Likely benign for Hereditary cancer-predisposing syndrome. Last evaluated: 2022-03-22. Review status: criteria provided, single submitter. Criteria: ACMG Guidelines, 2015. Collection method: clinical testing. Allele origin: germline. Not counted in ClinVar's aggregate classification.

Quest Diagnostics Nichols Institute San Juan Capistrano
Classification: Likely benign. Last evaluated: 2018-11-12. Review status: criteria provided, single submitter. Criteria: Quest Diagnostics criteria. Collection method: clinical testing. Allele origin: germline. Not counted in ClinVar's aggregate classification.

Ambry Genetics
Classification: Likely benign for Hereditary cancer-predisposing syndrome. Last evaluated: 2016-10-03. Review status: criteria provided, single submitter. Criteria: Ambry Variant Classification Scheme 2023. Collection method: clinical testing. Allele origin: germline. Not counted in ClinVar's aggregate classification.

NM_007294.4(BRCA1):c.1173A>G (p.Glu391=)

Gene: BRCA1 (BRCA1 DNA repair associated; minus strand). Cytogenetic location: 17q21.31.
Variant type: single nucleotide variant.
Coding change: c.1173A>G on transcript NM_007294.4 (MANE Select); coding-DNA position 1173, A replaced by G.
Protein change: p.Glu391=; no amino-acid change (glutamic acid 391 retained).
Molecular consequence: synonymous variant. On other transcripts: intron variant (137).
Genome position (GRCh38, 1-based): chr17:43,094,358, T>C on the plus strand (A>G on the coding strand, the complement: BRCA1 is on the minus strand). VCF-style: chr17-43094358-T-C. GRCh37 (hg19) VCF-style: chr17-41246375-T-C.
Other names: c.960A>G, p.Glu320= (NM_001407571.1, NM_001407853.1, NM_001407894.1 and 9 more transcripts); c.1173A>G, p.Glu391= (NM_001407581.1, NM_001407582.1, NM_001407583.1 and 30 more transcripts); c.1170A>G, p.Glu390= (NM_001407587.1, NM_001407590.1, NM_001407591.1 and 22 more transcripts); c.1164A>G, p.Glu388= (NM_001407646.1, NM_001407647.1); c.1050A>G, p.Glu350= (NM_001407648.1, NM_001407664.1, NM_001407665.1 and 19 more transcripts); c.1047A>G, p.Glu349= (NM_001407649.1, NM_001407670.1, NM_001407671.1 and 11 more transcripts); c.1095A>G, p.Glu365= (NM_001407653.1, NM_001407654.1, NM_001407655.1 and 4 more transcripts); c.1092A>G, p.Glu364= (NM_001407659.1, NM_001407660.1, NM_001407661.1 and 1 more transcripts); and 40 more.
Identifiers: ClinVar variation 427288 (VCV000427288.21), dbSNP rs1131692097, ClinGen allele CA500233644.